The following is an entry in ClinVar:

ClinVar aggregate classification (germline): Uncertain significance (1 of 4 stars; one submission).

Conditions:
Early Myoclonic Encephalopathy. Identifiers: MedGen C0270855.

Submission:

Labcorp Genetics (formerly Invitae), Labcorp
Classification: Uncertain significance for Early Myoclonic Encephalopathy. Last evaluated: 2017-06-16. Review status: criteria provided, single submitter. Criteria: Invitae Variant Classification Sherloc (09022015). Collection method: clinical testing. Allele origin: germline.
Comment: This sequence change creates a premature translational stop signal (p.Leu749*) in the JMJD1C gene. It is expected to result in an absent or disrupted protein product. This variant is not present in population databases (ExAC no frequency). This variant has not been reported in the literature in individuals with a JMJD1C-related disease. The current clinical and genetic evidence is not sufficient to establish whether loss-of-function variants in JMJD1C cause disease. In summary, this variant has uncertain impact on JMJD1C function. The available evidence is currently insufficient to determine its role in disease. Therefore, it has been classified as a Variant of Uncertain Significance.

NM_032776.3(JMJD1C):c.2246T>G (p.Leu749Ter)

Gene: JMJD1C (jumonji domain containing 1C; minus strand). Cytogenetic location: 10q21.3.
Variant type: single nucleotide variant.
Coding change: c.2246T>G on transcript NM_032776.3 (MANE Select); coding-DNA position 2246, T replaced by G.
Protein change: p.Leu749Ter; replaces leucine 749 with a stop codon.
Molecular consequence: nonsense. On other transcripts: non-coding transcript variant (1).
Genome position (GRCh38, 1-based): chr10:63,213,921, A>C on the plus strand (T>G on the coding strand, the complement: JMJD1C is on the minus strand). VCF-style: chr10-63213921-A-C. GRCh37 (hg19) VCF-style: chr10-64973681-A-C.
Other names: c.1700T>G, p.Leu567Ter (NM_001282948.2, NM_001318154.2); c.1382T>G, p.Leu461Ter (NM_001318153.2); c.2132T>G, p.Leu711Ter (NM_001322252.2); c.1589T>G, p.Leu530Ter (NM_001322254.2, NM_001322258.2); short protein forms L749*, L461*, L711*, L530*, L567*.
Identifiers: ClinVar variation 460227 (VCV000460227.2), dbSNP rs1554840033, ClinGen allele CA377046378.
Genomic context (GRCh38, chr10:63,213,921, plus strand): 5'-GATGATCCGGCTAGTAAATGGGGTGCAGGAGTTAAGGCAGGATGATGGGTACCTGGATTT[A>C]AACAGGTTCTATGAGATGAGGAGTGAAGAGGAAAAGGATGCTGGCTTAGGAAAGGTGAAA-3'